The following is an entry in ClinVar:

NM_022367.4(SEMA4A):c.1228A>T (p.Lys410Ter)

Gene: SEMA4A (semaphorin 4A; plus strand). Cytogenetic location: 1q22.
Variant type: single nucleotide variant.
Coding change: c.1228A>T on transcript NM_022367.4 (MANE Select); coding-DNA position 1228, A replaced by T.
Protein change: p.Lys410Ter; replaces lysine 410 with a stop codon.
Molecular consequence: nonsense.
Genome position (GRCh38, 1-based): chr1:156,172,919, A>T. VCF-style: chr1-156172919-A-T. GRCh37 (hg19) VCF-style: chr1-156142710-A-T.
Other names: c.1228A>T, p.Lys410Ter (NM_001193300.2, NM_001193301.2, NM_001370567.1); c.832A>T, p.Lys278Ter (NM_001193302.2); c.931A>T, p.Lys311Ter (NM_001370568.1); c.721A>T, p.Lys241Ter (NM_001370569.1, NM_001370571.1); short protein forms K278*, K311*, K410*, K241*.
Identifiers: ClinVar variation 3648568 (VCV003648568.2).

ClinVar aggregate classification (germline): Uncertain significance (1 of 4 stars; one submission).

Submission:

Labcorp Genetics (formerly Invitae), Labcorp
Classification: Uncertain significance. Last evaluated: 2024-04-08. Review status: criteria provided, single submitter. Criteria: Invitae Variant Classification Sherloc (09022015). Collection method: clinical testing. Allele origin: germline.
Comment: This sequence change creates a premature translational stop signal (p.Lys410*) in the SEMA4A gene. It is expected to result in an absent or disrupted protein product. However, the current clinical and genetic evidence is not sufficient to establish whether loss-of-function variants in SEMA4A cause disease. This variant is present in population databases (rs775801242, gnomAD 0.006%). This variant has not been reported in the literature in individuals affected with SEMA4A-related conditions. In summary, the available evidence is currently insufficient to determine the role of this variant in disease. Therefore, it has been classified as a Variant of Uncertain Significance.